The following is an entry in ClinVar:

NM_001079843.3(CASZ1):c.4714del (p.His1572fs)

Gene: CASZ1 (castor zinc finger 1; minus strand). Cytogenetic location: 1p36.22.
Variant type: Deletion.
Coding change: c.4714del on transcript NM_001079843.3 (MANE Select); coding-DNA position 4714, one base deleted (C; older notation c.4714delC).
Protein change: p.His1572fs; shifts the reading frame from histidine 1572.
Molecular consequence: frameshift variant.
Genome position (GRCh38, 1-based): chr1:10,639,508, G deleted on the plus strand (C on the coding strand, the reverse complement: CASZ1 is on the minus strand); the first of 2 consecutive G bases (chr1:10,639,508-10,639,509); deleting either gives the same sequence. VCF-style (leftmost placement, unchanged base first): chr1-10639507-TG-T. GRCh37 (hg19) VCF-style: chr1-10699564-TG-T.
Other names: short protein forms H1572fs.
Identifiers: ClinVar variation 4819953 (VCV004819953.1).
Genomic context (GRCh38, chr1:10,639,507, plus strand): 5'-TTGTGCGAGTCCATCTGCGACATGCCCACCACCGTGTGGCGGCAGCCCGGGAAGGTGCAG[TG>T]GAAGTGCGAGCACTTGAGCTTGTACTTGCAGTCGGGCACGGCGCAGTCGGCGCTGGAGCT-3'

ClinVar aggregate classification (germline): Uncertain significance (1 of 4 stars; one submission).

Submission:

Molecular Medicine, University of Pavia
Classification: Uncertain significance. Last evaluated: 2026-04-01. Review status: criteria provided, single submitter. Criteria: ACMG Guidelines, 2015. Collection method: research. Allele origin: inherited. Affected: yes. Observed: 1 variant allele.
Comment: The NM_001079843.3:c.4714del, is a frameshift variant in CASZ1 that disrupts the reading frame at Histidine 1572 and adds a premature stop codon after 271 residues. The CASZ1 gene is not associated with human disorders to date, and this variant is absent from GnomAD 4.1.0 database and it has not been previously reported neither in ClinVar nor in literature. In summary, this variant meets criteria to be classified as VUS based on the ACMG/AMP criteria applied: PVS1_strong, PM2_supp